The following is an entry in ClinVar:

NM_001377.3(DYNC2H1):c.2509T>C (p.Leu837=)

Gene: DYNC2H1 (dynein cytoplasmic 2 heavy chain 1; plus strand). Cytogenetic location: 11q22.3.
Variant type: single nucleotide variant.
Coding change: c.2509T>C on transcript NM_001377.3 (MANE Select); coding-DNA position 2509, T replaced by C.
Protein change: p.Leu837=; no amino-acid change (leucine 837 retained).
Molecular consequence: synonymous variant.
Genome position (GRCh38, 1-based): chr11:103,135,883, T>C. VCF-style: chr11-103135883-T-C. GRCh37 (hg19) VCF-style: chr11-103006612-T-C.
Other names: c.2509T>C, p.Leu837= (NM_001080463.2).
Identifiers: ClinVar variation 2642329 (VCV002642329.28), dbSNP rs2496920026, ClinGen allele CA476739210.

ClinVar aggregate classification (germline): Likely benign. Review status: criteria provided, multiple submitters, no conflicts (2 of 4 stars). 3 submissions from 3 submitters: Likely benign (3). Last evaluated 2024-01-10.

Conditions:
Jeune thoracic dystrophy. Also called: Jeune syndrome; Infantile thoracic dystrophy; Thoracic pelvic phalangeal dystrophy; Jeune's syndrome; Chondroectodermal dysplasia-like syndrome; Short-rib thoracic dysplasia. Identifiers: Orphanet 474, MedGen C0265275, MONDO:0018770.

Allele frequency attached by ClinVar (database versions not stated): gnomAD exomes below 0.00001.
gnomAD v4.1: 4 of 1,613,116 alleles (0.00025%); highest among the groups gnomAD compares: South Asian, 0.0011%; no homozygotes.

Submissions (3):

Blueprint Genetics
Classification: Likely benign. Last evaluated: 2024-01-10. Review status: criteria provided, single submitter. Criteria: ACMG Guidelines, 2015. Collection method: clinical testing. Allele origin: germline.

Labcorp Genetics (formerly Invitae), Labcorp
Classification: Likely benign for Jeune thoracic dystrophy. Last evaluated: 2024-01-08. Review status: criteria provided, single submitter. Criteria: Invitae Variant Classification Sherloc (09022015). Collection method: clinical testing. Allele origin: germline.

CeGaT Center for Human Genetics Tuebingen
Classification: Likely benign. Last evaluated: 2023-01-01. Review status: criteria provided, single submitter. Criteria: CeGaT Center For Human Genetics Tuebingen Variant Classification Criteria Version 2. Collection method: clinical testing. Allele origin: germline. Affected: yes. Observed: 1 variant allele.
Comment: DYNC2H1: PM2:Supporting, BP4, BP7